The following is an entry in ClinVar:

NM_004104.5(FASN):c.2339C>T (p.Thr780Ile)

Gene: FASN (fatty acid synthase; minus strand). Cytogenetic location: 17q25.3.
Variant type: single nucleotide variant.
Coding change: c.2339C>T on transcript NM_004104.5 (MANE Select); coding-DNA position 2339, C replaced by T.
Protein change: p.Thr780Ile; replaces threonine 780 with isoleucine.
Molecular consequence: missense variant.
Genome position (GRCh38, 1-based): chr17:82,088,842, G>A on the plus strand (C>T on the coding strand, the complement: FASN is on the minus strand). VCF-style: chr17-82088842-G-A. GRCh37 (hg19) VCF-style: chr17-80046718-G-A.
Other names: short protein forms T780I.
Identifiers: ClinVar variation 2108713 (VCV002108713.4), dbSNP rs2034152206, ClinGen allele CA401558109.

ClinVar aggregate classification (germline): Uncertain significance (1 of 4 stars; one submission).

Conditions:
Epileptic encephalopathy. Identifiers: MedGen C0543888, HP:0200134.

Allele frequency attached by ClinVar (database versions not stated): TOPMed 0.00001.

Submission:

Labcorp Genetics (formerly Invitae), Labcorp
Classification: Uncertain significance for Epileptic encephalopathy. Last evaluated: 2022-03-11. Review status: criteria provided, single submitter. Criteria: Invitae Variant Classification Sherloc (09022015). Collection method: clinical testing. Allele origin: germline.
Comment: In summary, the available evidence is currently insufficient to determine the role of this variant in disease. Therefore, it has been classified as a Variant of Uncertain Significance. Algorithms developed to predict the effect of missense changes on protein structure and function (SIFT, PolyPhen-2, Align-GVGD) all suggest that this variant is likely to be tolerated. This variant has not been reported in the literature in individuals affected with FASN-related conditions. This variant is not present in population databases (gnomAD no frequency). This sequence change replaces threonine, which is neutral and polar, with isoleucine, which is neutral and non-polar, at codon 780 of the FASN protein (p.Thr780Ile).